The following is an entry in ClinVar:

NM_003743.5(NCOA1):c.2481G>A (p.Leu827=)

Gene: NCOA1 (nuclear receptor coactivator 1; plus strand). Cytogenetic location: 2p23.3.
Variant type: single nucleotide variant.
Coding change: c.2481G>A on transcript NM_003743.5 (MANE Select); coding-DNA position 2481, G replaced by A.
Protein change: p.Leu827=; no amino-acid change (leucine 827 retained).
Molecular consequence: synonymous variant.
Genome position (GRCh38, 1-based): chr2:24,710,993, G>A. VCF-style: chr2-24710993-G-A. GRCh37 (hg19) VCF-style: chr2-24933862-G-A.
Other names: c.2481G>A, p.Leu827= (NM_001362950.1, NM_001362952.1, NM_001362954.1 and 3 more transcripts).
Identifiers: ClinVar variation 3348242 (VCV003348242.1).

ClinVar aggregate classification (germline): Likely benign (0 of 4 stars; one submission).

Conditions:
NCOA1-related disorder. Also called: NCOA1-related condition.

gnomAD v4.1: 4 of 1,614,150 alleles (0.00025%); highest among the groups gnomAD compares: South Asian, 0.0033%; no homozygotes.

Submission:

PreventionGenetics, part of Exact Sciences
Classification: Likely benign for NCOA1-related condition. Last evaluated: 2020-01-27. Review status: no assertion criteria provided. Collection method: clinical testing. Allele origin: germline.
Comment: This variant is classified as likely benign based on ACMG/AMP sequence variant interpretation guidelines (Richards et al. 2015 PMID: 25741868, with internal and published modifications).